The following is an entry in ClinVar:

ClinVar aggregate classification (germline): Uncertain significance. Review status: criteria provided, multiple submitters, no conflicts (2 of 4 stars). 2 submissions from 2 submitters: Uncertain significance (2). Last evaluated 2026-06-09.

Conditions:
Developmental and epileptic encephalopathy, 67. Also called: EPILEPTIC ENCEPHALOPATHY, EARLY INFANTILE, 67. Identifiers: MedGen C4748341, MONDO:0029138, OMIM 618141.

Allele frequency attached by ClinVar (database versions not stated): gnomAD exomes below 0.00001.
gnomAD v4.1: 2 of 1,610,108 alleles (0.00012%); highest among the groups gnomAD compares: Non-Finnish European, 0.00017%; no homozygotes.

Submissions (2):

GeneDx
Classification: Uncertain significance. Last evaluated: 2026-06-09. Review status: criteria provided, single submitter. Criteria: GeneDx Variant Classification Process June 2021. Collection method: clinical testing. Allele origin: germline.
Comment: Not observed at significant frequency in large population cohorts (gnomAD); In silico analysis supports that this missense variant has a deleterious effect on protein structure/function; Has not been previously published as pathogenic or benign to our knowledge

MGZ Medical Genetics Center
Classification: Uncertain significance for Developmental and epileptic encephalopathy, 67. Last evaluated: 2022-07-13. Review status: criteria provided, single submitter. Criteria: ACMG Guidelines, 2015. Collection method: clinical testing. Allele origin: germline. Affected: yes. Observed: 1 variant allele.
Comment: ACMG criteria applied: PM2_SUP, BP4

NM_015267.4(CUX2):c.1913C>T (p.Pro638Leu)

Gene: CUX2 (cut like homeobox 2; plus strand). Cytogenetic location: 12q24.12.
Variant type: single nucleotide variant.
Coding change: c.1913C>T on transcript NM_015267.4 (MANE Select); coding-DNA position 1913, C replaced by T.
Protein change: p.Pro638Leu; replaces proline 638 with leucine.
Molecular consequence: missense variant.
Genome position (GRCh38, 1-based): chr12:111,312,112, C>T. VCF-style: chr12-111312112-C-T. GRCh37 (hg19) VCF-style: chr12-111749916-C-T.
Other names: c.1727C>T, p.Pro576Leu (NM_001370598.1); c.1913C>T (NM_015267.3); short protein forms P576L, P638L.
Identifiers: ClinVar variation 1709625 (VCV001709625.4), dbSNP rs2499840211, ClinGen allele CA386710189.